The following is an entry in ClinVar:

ClinVar aggregate classification (germline): Uncertain significance (1 of 4 stars; one submission).

Conditions:
Charcot-Marie-Tooth Neuropathy X. Identifiers: MedGen CN118851.

Submission:

Labcorp Genetics (formerly Invitae), Labcorp
Classification: Uncertain significance for Charcot-Marie-Tooth Neuropathy X. Last evaluated: 2025-11-05. Review status: criteria provided, single submitter. Criteria: Invitae Variant Classification Sherloc (09022015). Collection method: clinical testing. Allele origin: germline.
Comment: This variant occurs in a non-coding region of the GJB1 gene. It does not change the encoded amino acid sequence of the GJB1 protein. It affects a nucleotide within the consensus splice site. The frequency data for this variant in the population databases is considered unreliable, as metrics indicate insufficient coverage at this position in the gnomAD database. This variant has been observed in individual(s) with clinical features of Charcot-Marie-Tooth disease (internal data). ClinVar contains an entry for this variant (Variation ID: 2772907). Variants that disrupt the consensus splice site are a relatively common cause of aberrant splicing (PMID: 17576681, 9536098). In summary, the available evidence is currently insufficient to determine the role of this variant in disease. Therefore, it has been classified as a Variant of Uncertain Significance.

Literature cited by the submitters: PubMed 17576681; PubMed 9536098.

NM_000166.6(GJB1):c.-17+2T>G

Gene: GJB1 (gap junction protein beta 1; plus strand). Cytogenetic location: Xq13.1.
Variant type: single nucleotide variant.
Coding change: c.-17+2T>G on transcript NM_000166.6 (MANE Select); the canonical splice donor site of the intron after 17 bases upstream of the start codon, T replaced by G.
Molecular consequence: splice donor variant. On other transcripts: intron variant (1).
Genome position (GRCh38, 1-based): chrX:71,223,337, T>G. VCF-style: chrX-71223337-T-G. GRCh37 (hg19) VCF-style: chrX-70443187-T-G.
Other names: c.-16-355T>G (NM_001097642.3).
Identifiers: ClinVar variation 2772907 (VCV002772907.3), dbSNP rs2519797179, ClinGen allele CA2697553164.
Genomic context (GRCh38, chrX:71,223,337, plus strand): 5'-ACAGACATGAGACCATAGGGGACCTGTCTGGGTGGCCTCAGGGATAGGCGCTCCCCAAGG[T>G]AAGAGGGCTTTGTTGAGTTTGCCCCAGGTCTGGAGTTAAGGAGCTAGGGGACAGGGAGCC-3'